The following is an entry in ClinVar:

ClinVar aggregate classification (germline): Uncertain significance (0 of 4 stars; one submission).

Conditions:
ARMC5-related disorder. Also called: ARMC5-related condition.

Allele frequency attached by ClinVar (database versions not stated): TOPMed 0.00001.

Submission:

PreventionGenetics, part of Exact Sciences
Classification: Uncertain significance for ARMC5-related condition. Last evaluated: 2024-01-29. Review status: no assertion criteria provided. Collection method: clinical testing. Allele origin: germline.
Comment: The ARMC5 c.2480C>T variant is predicted to result in the amino acid substitution p.Ser827Phe. To our knowledge, this variant has not been reported in the literature or in a large population database, indicating this variant is rare. At this time, the clinical significance of this variant is uncertain due to the absence of conclusive functional and genetic evidence.

NM_001105247.2(ARMC5):c.2195C>T (p.Ser732Phe)

Gene: ARMC5 (armadillo repeat containing 5; plus strand). Cytogenetic location: 16p11.2.
Variant type: single nucleotide variant.
Coding change: c.2195C>T on transcript NM_001105247.2 (MANE Select); coding-DNA position 2195, C replaced by T.
Protein change: p.Ser732Phe; replaces serine 732 with phenylalanine.
Molecular consequence: missense variant. On other transcripts: 3 prime UTR variant (1).
Genome position (GRCh38, 1-based): chr16:31,466,276, C>T. VCF-style: chr16-31466276-C-T. GRCh37 (hg19) VCF-style: chr16-31477597-C-T.
Other names: c.2480C>T, p.Ser827Phe (NM_001288767.2); c.2291C>T, p.Ser764Phe (NM_001301820.1); c.*1075C>T (NM_024742.2); short protein forms S732F, S764F, S827F.
Identifiers: ClinVar variation 3030229 (VCV003030229.2), dbSNP rs1432603126, ClinGen allele CA395739047.